The following is an entry in ClinVar:

NM_022489.4(INF2):c.782_783delinsTT (p.Arg261Leu)

Gene: INF2 (inverted formin 2; plus strand). Cytogenetic location: 14q32.33.
Variant type: Indel.
Coding change: c.782_783delinsTT on transcript NM_022489.4 (MANE Select); coding-DNA positions 782 to 783, GA replaced by TT.
Protein change: p.Arg261Leu; replaces arginine 261 with leucine.
Molecular consequence: missense variant. On other transcripts: non-coding transcript variant (1).
Genome position (GRCh38, 1-based): chr14:104,706,115-104,706,116, GA replaced by TT. VCF-style: chr14-104706115-GA-TT. GRCh37 (hg19) VCF-style: chr14-105172452-GA-TT.
Other names: c.782_783delinsTT, p.Arg261Leu (NM_001031714.4, NM_001426862.1, NM_001426863.1 and 2 more transcripts); short protein forms R261L.
Identifiers: ClinVar variation 4787114 (VCV004787114.1).
Genomic context (GRCh38, chr14:104,706,115, plus strand): 5'-TGCTGATCCAGCTGGAGGCTTTCGAGGAGGCTAAGGCCGAGGACGAGGAGGAGCTGCTGC[GA>TT]GTCTCTGGCGGGGTCGACATGAGCAGCCACCAGGAGGTCTTTGCCTCCCTGTTCCACAAG-3'
Protein context (NP_071934.3, residues 251-271): AKAEDEEELL[Arg261Leu]VSGGVDMSSH

ClinVar aggregate classification (germline): Uncertain significance (1 of 4 stars; one submission).

Conditions:
Focal segmental glomerulosclerosis 5 (FSGS5). Identifiers: Orphanet 656, MedGen C2750475, MONDO:0013191, OMIM 613237.
Charcot-Marie-Tooth disease dominant intermediate E. Also called: CHARCOT-MARIE-TOOTH NEUROPATHY WITH FOCAL SEGMENTAL GLOMERULONEPHRITIS. Identifiers: Orphanet 93114, MedGen C4302667, MONDO:0013758, OMIM 614455.

Submission:

Labcorp Genetics (formerly Invitae), Labcorp
Classification: Uncertain significance for Charcot-Marie-Tooth disease dominant intermediate E; Focal segmental glomerulosclerosis 5. Last evaluated: 2025-12-23. Review status: criteria provided, single submitter. Criteria: Invitae Variant Classification Sherloc (09022015). Collection method: clinical testing. Allele origin: germline.
Comment: This sequence change replaces arginine, which is basic and polar, with leucine, which is neutral and non-polar, at codon 261 of the INF2 protein (p.Arg261Leu). Information on the frequency of this variant in the gnomAD database is not available, as this variant may be reported differently in the database. This variant has not been reported in the literature in individuals affected with INF2-related conditions. An algorithm developed to predict the effect of missense changes on protein structure and function (PolyPhen-2) suggests that this variant is likely to be disruptive. In summary, the available evidence is currently insufficient to determine the role of this variant in disease. Therefore, it has been classified as a Variant of Uncertain Significance.